The following is an entry in ClinVar:

NM_001481.3(DRC4):c.608G>A (p.Arg203Gln)

Gene: DRC4 (dynein regulatory complex subunit 4; plus strand). Cytogenetic location: 16q24.3.
Variant type: single nucleotide variant.
Coding change: c.608G>A on transcript NM_001481.3 (MANE Select); coding-DNA position 608, G replaced by A.
Protein change: p.Arg203Gln; replaces arginine 203 with glutamine.
Molecular consequence: missense variant.
Genome position (GRCh38, 1-based): chr16:90,036,438, G>A. VCF-style: chr16-90036438-G-A. GRCh37 (hg19) VCF-style: chr16-90102846-G-A.
Other names: c.359G>A, p.Arg120Gln (NM_001286205.2); c.32G>A, p.Arg11Gln (NM_001286208.2); c.533G>A, p.Arg178Gln (NM_001286209.2); short protein forms R203Q, R178Q, R11Q, R120Q.
Identifiers: ClinVar variation 542266 (VCV000542266.7), dbSNP rs747875715, ClinGen allele CA8257893.
Genomic context (GRCh38, chr16:90,036,438, plus strand): 5'-CAGAAATTGAGGCCAAGTATGATAAGAAGATGAAGATGCTGAGGGACGAACTCGACTTGC[G>A]GAGAAAGACTGAGCTCCACGAAGTGGAGGAGAGGAAGAATGGCCAGATCCACACGCTGAT-3'
Protein context (NP_001472.1, residues 193-213): MKMLRDELDL[Arg203Gln]RKTELHEVEE

ClinVar aggregate classification (germline): Uncertain significance. Review status: criteria provided, multiple submitters, no conflicts (2 of 4 stars). 2 submissions from 2 submitters: Uncertain significance (2). Last evaluated 2024-08-28.

Conditions:
Inborn genetic diseases. Identifiers: MedGen C0950123, MeSH D030342.
Primary ciliary dyskinesia 33. Also called: CILIARY DYSKINESIA, PRIMARY, 33, WITHOUT SITUS INVERSUS. Identifiers: Orphanet 244, MedGen C4225230, MONDO:0014750, OMIM 616726.

Allele frequency attached by ClinVar (database versions not stated): ExAC 0.00001; gnomAD 0.00002 and 0.00004; gnomAD exomes 0.00004 and 0.00005; TOPMed 0.00006.
gnomAD v4.1: 75 of 1,613,076 alleles (0.0046%); highest among the groups gnomAD compares: Middle Eastern, 0.016%; no homozygotes.

Submissions (2):

Ambry Genetics
Classification: Uncertain significance for Inborn genetic diseases. Last evaluated: 2024-08-28. Review status: criteria provided, single submitter. Criteria: Ambry Variant Classification Scheme 2023. Collection method: clinical testing. Allele origin: germline.

Labcorp Genetics (formerly Invitae), Labcorp
Classification: Uncertain significance for Primary ciliary dyskinesia 33. Last evaluated: 2017-12-10. Review status: criteria provided, single submitter. Criteria: Invitae Variant Classification Sherloc (09022015). Collection method: clinical testing. Allele origin: germline.
Comment: In summary, the available evidence is currently insufficient to determine the role of this variant in disease. Therefore, it has been classified as a Variant of Uncertain Significance. Algorithms developed to predict the effect of sequence changes on RNA splicing suggest that this variant may create or strengthen a splice site, but this prediction has not been confirmed by published transcriptional studies. Algorithms developed to predict the effect of missense changes on protein structure and function output the following: SIFT: "Tolerated"; PolyPhen-2: "Benign"; Align-GVGD: "Class C0". The glutamine amino acid residue is found in multiple mammalian species, suggesting that this missense change does not adversely affect protein function. These predictions have not been confirmed by published functional studies and their clinical significance is uncertain. This variant has not been reported in the literature in individuals with GAS8-related disease. This variant is present in population databases (rs747875715, ExAC 0.002%). This sequence change replaces arginine with glutamine at codon 203 of the GAS8 protein (p.Arg203Gln). The arginine residue is moderately conserved and there is a small physicochemical difference between arginine and glutamine.